The following is an entry in ClinVar:

NM_000179.3(MSH6):c.1882T>G (p.Trp628Gly)

Gene: MSH6 (mutS homolog 6; plus strand). Cytogenetic location: 2p16.3.
Variant type: single nucleotide variant.
Coding change: c.1882T>G on transcript NM_000179.3 (MANE Select); coding-DNA position 1882, T replaced by G.
Protein change: p.Trp628Gly; replaces tryptophan 628 with glycine.
Molecular consequence: missense variant. On other transcripts: non-coding transcript variant (5), intron variant (2).
Genome position (GRCh38, 1-based): chr2:47,799,865, T>G. VCF-style: chr2-47799865-T-G. GRCh37 (hg19) VCF-style: chr2-48027004-T-G.
Other names: c.1492T>G, p.Trp498Gly (NM_001281492.2); c.976T>G, p.Trp326Gly (NM_001281493.2, NM_001281494.2, NM_001406811.1 and 6 more transcripts); c.1978T>G, p.Trp660Gly (NM_001406795.1, NM_001406802.1); c.1882T>G, p.Trp628Gly (NM_001406796.1, NM_001406798.1, NM_001406800.1 and 3 more transcripts); c.1585T>G, p.Trp529Gly (NM_001406797.1, NM_001406801.1, NM_001406805.1 and 10 more transcripts); c.1357T>G, p.Trp453Gly (NM_001406799.1, NM_001406806.1, NM_001406807.1); c.1804T>G, p.Trp602Gly (NM_001406804.1); c.1888T>G, p.Trp630Gly (NM_001406813.1); and 3 more; short protein forms W326G, W453G, W628G, W630G, W529G, W572G, W602G, W660G.
Identifiers: ClinVar variation 3398971 (VCV003398971.1).

ClinVar aggregate classification (germline): Uncertain significance (1 of 4 stars; one submission).

Conditions:
Hereditary cancer-predisposing syndrome. Also called: Hereditary Cancer Syndrome; Tumor predisposition; Hereditary neoplastic syndrome; Neoplastic Syndromes, Hereditary. Identifiers: Orphanet 140162, MedGen C0027672, MeSH D009386, MONDO:0015356.

gnomAD v4.1: 2 of 1,614,204 alleles (0.00012%); highest among the groups gnomAD compares: East Asian, 0.0022%; no homozygotes.

Submission:

Ambry Genetics
Classification: Uncertain significance for Hereditary cancer-predisposing syndrome. Last evaluated: 2024-12-04. Review status: criteria provided, single submitter. Criteria: Ambry Variant Classification Scheme 2023. Collection method: clinical testing. Allele origin: germline.
Comment: The p.W628G variant (also known as c.1882T>G), located in coding exon 4 of the MSH6 gene, results from a T to G substitution at nucleotide position 1882. The tryptophan at codon 628 is replaced by glycine, an amino acid with highly dissimilar properties. This amino acid position is conserved. In addition, this alteration is predicted to be deleterious by in silico analysis. Based on the available evidence, the clinical significance of this variant remains unclear.